The following is an entry in ClinVar:

NM_000292.3(PHKA2):c.3356A>G (p.Lys1119Arg)

Genes: PHKA2-AS1 (PHKA2 antisense RNA 1; plus strand), PHKA2 (phosphorylase kinase regulatory subunit alpha 2; minus strand). Cytogenetic location: Xp22.13.
Variant type: single nucleotide variant.
Coding change: c.3356A>G on transcript NM_000292.3 (MANE Select); coding-DNA position 3356, A replaced by G.
Protein change: p.Lys1119Arg; replaces lysine 1119 with arginine.
Molecular consequence: missense variant. On other transcripts: non-coding transcript variant (1).
Genome position (GRCh38, 1-based): chrX:18,894,385, T>C on the plus strand (A>G on the coding strand, the complement: PHKA2 is on the minus strand). VCF-style: chrX-18894385-T-C. GRCh37 (hg19) VCF-style: chrX-18912503-T-C.
Other names: short protein forms K1119R.
Identifiers: ClinVar variation 1005292 (VCV001005292.8), dbSNP rs2047493147, ClinGen allele CA412376122.

ClinVar aggregate classification (germline): Uncertain significance (1 of 4 stars; one submission).

Conditions:
Glycogen storage disease IXa1. Also called: GLYCOGEN STORAGE DISEASE VIII; GSD VIII; Glycogen storage disease 8; LIVER GLYCOGENOSIS, X-LINKED, TYPE I. Identifiers: Orphanet 264580, MedGen C3694531, MONDO:0010598, OMIM 306000.

Submission:

Labcorp Genetics (formerly Invitae), Labcorp
Classification: Uncertain significance for Glycogen storage disease IXa1. Last evaluated: 2020-07-23. Review status: criteria provided, single submitter. Criteria: Invitae Variant Classification Sherloc (09022015). Collection method: clinical testing. Allele origin: germline.
Comment: In summary, the available evidence is currently insufficient to determine the role of this variant in disease. Therefore, it has been classified as a Variant of Uncertain Significance. Algorithms developed to predict the effect of missense changes on protein structure and function (SIFT, PolyPhen-2, Align-GVGD) all suggest that this variant is likely to be disruptive, but these predictions have not been confirmed by published functional studies and their clinical significance is uncertain. This variant is not present in population databases (ExAC no frequency). This sequence change replaces lysine with arginine at codon 1119 of the PHKA2 protein (p.Lys1119Arg). The lysine residue is highly conserved and there is a small physicochemical difference between lysine and arginine.